The following is an entry in ClinVar:

NM_001270508.2(TNFAIP3):c.1588A>T (p.Arg530Trp)

Gene: TNFAIP3 (TNF alpha induced protein 3; plus strand). Cytogenetic location: 6q23.3.
Variant type: single nucleotide variant.
Coding change: c.1588A>T on transcript NM_001270508.2 (MANE Select); coding-DNA position 1588, A replaced by T.
Protein change: p.Arg530Trp; replaces arginine 530 with tryptophan.
Molecular consequence: missense variant.
Genome position (GRCh38, 1-based): chr6:137,879,033, A>T. VCF-style: chr6-137879033-A-T. GRCh37 (hg19) VCF-style: chr6-138200170-A-T.
Other names: c.1588A>T, p.Arg530Trp (NM_001270507.2, NM_006290.4); short protein forms R530W.
Identifiers: ClinVar variation 3699254 (VCV003699254.2).

ClinVar aggregate classification (germline): Uncertain significance (1 of 4 stars; one submission).

gnomAD v4.1: 1 of 1,614,102 alleles (0.000062%); highest among the groups gnomAD compares: Non-Finnish European, 0.000085%; no homozygotes.

Submission:

Labcorp Genetics (formerly Invitae), Labcorp
Classification: Uncertain significance. Last evaluated: 2024-07-05. Review status: criteria provided, single submitter. Criteria: Invitae Variant Classification Sherloc (09022015). Collection method: clinical testing. Allele origin: germline.
Comment: This sequence change replaces arginine, which is basic and polar, with tryptophan, which is neutral and slightly polar, at codon 530 of the TNFAIP3 protein (p.Arg530Trp). This variant is not present in population databases (gnomAD no frequency). This variant has not been reported in the literature in individuals affected with TNFAIP3-related conditions. Advanced modeling of protein sequence and biophysical properties (such as structural, functional, and spatial information, amino acid conservation, physicochemical variation, residue mobility, and thermodynamic stability) performed at Invitae indicates that this missense variant is not expected to disrupt TNFAIP3 protein function with a negative predictive value of 80%. In summary, the available evidence is currently insufficient to determine the role of this variant in disease. Therefore, it has been classified as a Variant of Uncertain Significance.